The following is an entry in ClinVar:

NM_001130438.3(SPTAN1):c.3472G>A (p.Glu1158Lys)

Gene: SPTAN1 (spectrin alpha, non-erythrocytic 1; plus strand). Cytogenetic location: 9q34.11.
Variant type: single nucleotide variant.
Coding change: c.3472G>A on transcript NM_001130438.3 (MANE Select); coding-DNA position 3472, G replaced by A.
Protein change: p.Glu1158Lys; replaces glutamic acid 1158 with lysine.
Molecular consequence: missense variant.
Genome position (GRCh38, 1-based): chr9:128,598,457, G>A. VCF-style: chr9-128598457-G-A. GRCh37 (hg19) VCF-style: chr9-131360736-G-A.
Other names: c.3412G>A, p.Glu1138Lys (NM_001195532.2, NM_001363765.2); c.3472G>A, p.Glu1158Lys (NM_001363759.2, NM_003127.4); short protein forms E1158K, E1138K.
Identifiers: ClinVar variation 570095 (VCV000570095.9), dbSNP rs1379161622, ClinGen allele CA375062345.

ClinVar aggregate classification (germline): Uncertain significance (1 of 4 stars; one submission).

Conditions:
Early-infantile DEE. Also called: Ohtahara syndrome; Early infantile epileptic encephalopathy; Early infantile epileptic encephalopathy with suppression bursts. Identifiers: Orphanet 1934, MedGen C0393706, MONDO:0800491.

Allele frequency attached by ClinVar (database versions not stated): gnomAD exomes below 0.00001; TOPMed below 0.00001.
gnomAD v4.1: 1 of 1,613,354 alleles (0.000062%); highest among the groups gnomAD compares: East Asian, 0.0022%; no homozygotes.

Submission:

Labcorp Genetics (formerly Invitae), Labcorp
Classification: Uncertain significance for Early-infantile DEE. Last evaluated: 2018-05-02. Review status: criteria provided, single submitter. Criteria: Invitae Variant Classification Sherloc (09022015). Collection method: clinical testing. Allele origin: germline.
Comment: This variant is not present in population databases (ExAC no frequency). This sequence change replaces glutamic acid with lysine at codon 1158 of the SPTAN1 protein (p.Glu1158Lys). The glutamic acid residue is highly conserved and there is a small physicochemical difference between glutamic acid and lysine. This variant has not been reported in the literature in individuals with SPTAN1-related disease. In summary, the available evidence is currently insufficient to determine the role of this variant in disease. Therefore, it has been classified as a Variant of Uncertain Significance. Algorithms developed to predict the effect of missense changes on protein structure and function (SIFT, PolyPhen-2, Align-GVGD) all suggest that this variant is likely to be tolerated, but these predictions have not been confirmed by published functional studies and their clinical significance is uncertain.